The following is an entry in ClinVar:

ClinVar aggregate classification (germline): Likely pathogenic (1 of 4 stars; one submission).

Conditions:
Autosomal dominant childhood-onset proximal spinal muscular atrophy with contractures (SMALED2A). Also called: SPINAL MUSCULAR ATROPHY, LOWER EXTREMITY-PREDOMINANT, 2A, CHILDHOOD ONSET, AUTOSOMAL DOMINANT; Spinal muscular atrophy, lower extremity-predominant, 2A, autosomal dominant. Identifiers: Orphanet 363447, Orphanet 363454, MedGen C4747715, MONDO:0014121, OMIM 615290.

Submission:

3billion
Classification: Likely pathogenic for Autosomal dominant childhood-onset proximal spinal muscular atrophy with contractures. Last evaluated: 2023-02-23. Review status: criteria provided, single submitter. Criteria: ACMG Guidelines, 2015. Collection method: clinical testing. Allele origin: unknown. Affected: yes.
Comment: The variant is not observed in the gnomAD v2.1.1 dataset. Missense changes are a common disease-causing mechanism. In silico tool predictions suggest damaging effect of the variant on gene or gene product (3Cnet: 0.76). Same nucleotide change resulting in same amino acid change has been previously reported to be associated with BICD2 related disorder (PMID: 31561939). A different missense change at the same codon (p.His210Asn) has been reported to be associated with BICD2 related disorder (PMID: 33060286). Therefore, this variant is classified as Likely pathogenic according to the recommendation of ACMG/AMP guideline.

Literature cited by the submitters: PubMed 33060286; PubMed 31561939.

NM_001003800.2(BICD2):c.629A>C (p.His210Pro)

Gene: BICD2 (BICD cargo adaptor 2; minus strand). Cytogenetic location: 9q22.31.
Variant type: single nucleotide variant.
Coding change: c.629A>C on transcript NM_001003800.2 (MANE Select); coding-DNA position 629, A replaced by C.
Protein change: p.His210Pro; replaces histidine 210 with proline.
Molecular consequence: missense variant.
Genome position (GRCh38, 1-based): chr9:92,720,733, T>G on the plus strand (A>C on the coding strand, the complement: BICD2 is on the minus strand). VCF-style: chr9-92720733-T-G. GRCh37 (hg19) VCF-style: chr9-95483015-T-G.
Other names: c.629A>C, p.His210Pro (NM_015250.4); short protein forms H210P.
Identifiers: ClinVar variation 2444193 (VCV002444193.1), dbSNP rs2490453128, ClinGen allele CA374044519.